The following is an entry in ClinVar:

ClinVar aggregate classification (germline): Uncertain significance (1 of 4 stars; one submission).

Submission:

GeneDx
Classification: Uncertain significance. Last evaluated: 2026-03-25. Review status: criteria provided, single submitter. Criteria: GeneDx Variant Classification Process June 2021. Collection method: clinical testing. Allele origin: germline.
Comment: Not observed at significant frequency in large population cohorts (gnomAD); In silico analysis supports that this missense variant has a deleterious effect on protein structure/function; Has not been previously published as pathogenic or benign to our knowledge

NM_001395002.1(MAP4K4):c.2663G>A (p.Gly888Asp)

Gene: MAP4K4 (mitogen-activated protein kinase kinase kinase kinase 4; plus strand). Cytogenetic location: 2q11.2.
Variant type: single nucleotide variant.
Coding change: c.2663G>A on transcript NM_001395002.1 (MANE Select); coding-DNA position 2663, G replaced by A.
Protein change: p.Gly888Asp; replaces glycine 888 with aspartic acid.
Molecular consequence: missense variant. On other transcripts: non-coding transcript variant (4).
Genome position (GRCh38, 1-based): chr2:101,870,318, G>A. VCF-style: chr2-101870318-G-A. GRCh37 (hg19) VCF-style: chr2-102486780-G-A.
Other names: c.2168G>A, p.Gly723Asp (NM_001384482.1); c.2258G>A, p.Gly753Asp (NM_001384483.1); c.2501G>A, p.Gly834Asp (NM_001384484.1, NM_001384485.1, NM_001384493.1); c.2432G>A, p.Gly811Asp (NM_001384486.1, NM_001384507.1); c.2399G>A, p.Gly800Asp (NM_001384487.1); c.2429G>A, p.Gly810Asp (NM_001384488.1); c.2270G>A, p.Gly757Asp (NM_001384490.1); c.2405G>A, p.Gly802Asp (NM_001384491.1, NM_001384579.1); and 31 more; short protein forms G716D, G717D, G723D, G725D, G726D, G745D, G753D, G754D.
Identifiers: ClinVar variation 5017508 (VCV005017508.1).